The following is an entry in ClinVar:

ClinVar aggregate classification (germline): Pathogenic. Review status: criteria provided, single submitter (1 of 4 stars). 2 submissions from 2 submitters: Pathogenic (1). 1 of the submissions does not count toward it. Last evaluated 2021-03-18.

Conditions:
Retinitis pigmentosa 90. Identifiers: MedGen C5436588, MONDO:0033563, OMIM 619007.

Submissions (2):

Labcorp Genetics (formerly Invitae), Labcorp
Classification: Pathogenic. Last evaluated: 2021-03-18. Review status: criteria provided, single submitter. Criteria: Invitae Variant Classification Sherloc (09022015). Collection method: clinical testing. Allele origin: germline.
Comment: For these reasons, this variant has been classified as Pathogenic. This variant has been observed in individual(s) with retinitis pigmentosa (PMID: 28412069). It has also been observed to segregate with disease in related individuals. ClinVar contains an entry for this variant (Variation ID: 977469). This variant is not present in population databases (ExAC no frequency). This sequence change creates a premature translational stop signal (p.Thr135Profs*6) in the IDH3A gene. It is expected to result in an absent or disrupted protein product. Loss-of-function variants in IDH3A are known to be pathogenic (PMID: 28412069).

OMIM
Classification: Pathogenic for RETINITIS PIGMENTOSA 90. Last evaluated: 2020-09-02. Review status: no assertion criteria provided. Collection method: literature only. Allele origin: germline. Not counted in ClinVar's aggregate classification.

Literature cited by the submitters: PubMed 28412069 (cited by Labcorp Genetics (formerly Invitae), Labcorp and OMIM).

NM_005530.3(IDH3A):c.403del (p.Thr135fs)

Gene: IDH3A (isocitrate dehydrogenase (NAD(+)) 3 catalytic subunit alpha; plus strand). Cytogenetic location: 15q25.1.
Variant type: Deletion.
Coding change: c.403del on transcript NM_005530.3 (MANE Select); coding-DNA position 403, one base deleted (A; older notation c.403delA).
Protein change: p.Thr135fs; shifts the reading frame from threonine 135.
Molecular consequence: frameshift variant.
Genome position (GRCh38, 1-based): chr15:78,161,694, A deleted; the last of 4 consecutive A bases (chr15:78,161,691-78,161,694); deleting any one gives the same sequence. VCF-style (leftmost placement, unchanged base first): chr15-78161690-TA-T. GRCh37 (hg19) VCF-style: chr15-78454032-TA-T.
Other names: short protein forms T135fs.
Identifiers: ClinVar variation 977469 (VCV000977469.8), dbSNP rs2074682724, ClinGen allele CA971767032.